The following is an entry in ClinVar:

ClinVar aggregate classification (germline): Likely benign (0 of 4 stars; one submission).

Conditions:
TMEM132E-related disorder. Also called: TMEM132E-related condition.

Allele frequency attached by ClinVar (database versions not stated): gnomAD exomes below 0.00001.
gnomAD v4.1: 4 of 1,477,570 alleles (0.00027%); highest among the groups gnomAD compares: South Asian, 0.0039%; no homozygotes.

Submission:

PreventionGenetics, part of Exact Sciences
Classification: Likely benign for TMEM132E-related condition. Last evaluated: 2020-09-30. Review status: no assertion criteria provided. Collection method: clinical testing. Allele origin: germline.
Comment: This variant is classified as likely benign based on ACMG/AMP sequence variant interpretation guidelines (Richards et al. 2015 PMID: 25741868, with internal and published modifications).

NM_001304438.2(TMEM132E):c.717T>C (p.Pro239=)

Gene: TMEM132E (transmembrane protein 132E; plus strand). Cytogenetic location: 17q12.
Variant type: single nucleotide variant.
Coding change: c.717T>C on transcript NM_001304438.2 (MANE Select); coding-DNA position 717, T replaced by C.
Protein change: p.Pro239=; no amino-acid change (proline 239 retained).
Molecular consequence: synonymous variant.
Genome position (GRCh38, 1-based): chr17:34,626,776, T>C. VCF-style: chr17-34626776-T-C. GRCh37 (hg19) VCF-style: chr17-32953795-T-C.
Identifiers: ClinVar variation 3053938 (VCV003053938.2), dbSNP rs2142079780, ClinGen allele CA2528953854.